The following is an entry in ClinVar:

NM_001165963.4(SCN1A):c.605A>G (p.Tyr202Cys)

Gene: SCN1A (sodium voltage-gated channel alpha subunit 1; minus strand). Cytogenetic location: 2q24.3.
Variant type: single nucleotide variant.
Coding change: c.605A>G on transcript NM_001165963.4 (MANE Select); coding-DNA position 605, A replaced by G.
Protein change: p.Tyr202Cys; replaces tyrosine 202 with cysteine.
Molecular consequence: missense variant. On other transcripts: 5 prime UTR variant (1), non-coding transcript variant (1).
Genome position (GRCh38, 1-based): chr2:166,052,941, T>C on the plus strand (A>G on the coding strand, the complement: SCN1A is on the minus strand). VCF-style: chr2-166052941-T-C. GRCh37 (hg19) VCF-style: chr2-166909451-T-C.
Other names: c.605A>G, p.Tyr202Cys (NM_001165964.3, NM_001202435.3, NM_001353948.2 and 10 more transcripts); c.-1821A>G (NM_001353961.2); short protein forms Y202C.
Identifiers: ClinVar variation 2099984 (VCV002099984.4), dbSNP rs2468233969, ClinGen allele CA349074429.
Genomic context (GRCh38, chr2:166,052,941, plus strand): 5'-CGGAGAACTCTGAATGTTCTCAATGCCGAGACATTGCCCAGGTCCACAAACTCTGTGACG[T>C]ACCTGTAATAGGGAGTTCACACACAAACACAAAAACAGGACACAAAGAAAAAGCTGTAGG-3'
Protein context (NP_001159435.1, residues 192-212): WLDFTVITFA[Tyr202Cys]VTEFVDLGNV

ClinVar aggregate classification (germline): Uncertain significance (1 of 4 stars; one submission).

Conditions:
Early-infantile DEE. Also called: Early infantile epileptic encephalopathy; Early infantile epileptic encephalopathy with suppression bursts; Ohtahara syndrome. Identifiers: Orphanet 1934, MedGen C0393706, MONDO:0800491.

Submission:

Labcorp Genetics (formerly Invitae), Labcorp
Classification: Uncertain significance for Early-infantile DEE. Last evaluated: 2022-02-20. Review status: criteria provided, single submitter. Criteria: Invitae Variant Classification Sherloc (09022015). Collection method: clinical testing. Allele origin: germline.
Comment: This variant has not been reported in the literature in individuals affected with SCN1A-related conditions. In summary, the available evidence is currently insufficient to determine the role of this variant in disease. Therefore, it has been classified as a Variant of Uncertain Significance. Algorithms developed to predict the effect of missense changes on protein structure and function (SIFT, PolyPhen-2, Align-GVGD) all suggest that this variant is likely to be disruptive. This variant is not present in population databases (gnomAD no frequency). This sequence change replaces tyrosine, which is neutral and polar, with cysteine, which is neutral and slightly polar, at codon 202 of the SCN1A protein (p.Tyr202Cys).